The following is an entry in ClinVar:

NM_002337.4(LRPAP1):c.592+10G>A

Gene: LRPAP1 (LDL receptor related protein associated protein 1; minus strand). Cytogenetic location: 4p16.3.
Variant type: single nucleotide variant.
Coding change: c.592+10G>A on transcript NM_002337.4 (MANE Select); 10 bases into the intron after coding-DNA position 592, G replaced by A.
Molecular consequence: intron variant.
Genome position (GRCh38, 1-based): chr4:3,518,861, C>T on the plus strand (G>A on the coding strand, the complement: LRPAP1 is on the minus strand). VCF-style: chr4-3518861-C-T. GRCh37 (hg19) VCF-style: chr4-3520588-C-T.
Identifiers: ClinVar variation 746871 (VCV000746871.5), dbSNP rs570317237, ClinGen allele CA2829938.
Genomic context (GRCh38, chr4:3,518,861, plus strand): 5'-CAGGTGCAGGAGGGGTGGGGGGCAGGAGGGGGTGGGGCAGAGGGCAGGAGGGGGTGGGGG[C>T]GGGGGGCACCTTCGGTCCTGCTCAGGGTCTCCAGCAGGACGTTGTACTCGTGAACTTTCT-3'

ClinVar aggregate classification (germline): Likely benign. Review status: criteria provided, single submitter (1 of 4 stars). 2 submissions from 2 submitters: Likely benign (1). 1 of the submissions does not count toward it. Last evaluated 2018-12-18.

Conditions:
LRPAP1-related disorder. Also called: LRPAP1-related condition.

Allele frequency attached by ClinVar (database versions not stated): gnomAD 0.00069 and 0.00315; 1000 Genomes Project 0.00220; ExAC 0.00571.

Submissions (2):

Labcorp Genetics (formerly Invitae), Labcorp
Classification: Likely benign. Last evaluated: 2018-12-18. Review status: criteria provided, single submitter. Criteria: Invitae Variant Classification Sherloc (09022015). Collection method: clinical testing. Allele origin: germline.

PreventionGenetics, part of Exact Sciences
Classification: Benign for LRPAP1-related condition. Last evaluated: 2019-02-21. Review status: no assertion criteria provided. Collection method: clinical testing. Allele origin: germline. Not counted in ClinVar's aggregate classification.
Comment: This variant is classified as benign based on ACMG/AMP sequence variant interpretation guidelines (Richards et al. 2015 PMID: 25741868, with internal and published modifications).